The following is an entry in ClinVar:

NM_006059.4(LAMC3):c.3106G>C (p.Gly1036Arg)

Gene: LAMC3 (laminin subunit gamma 3; plus strand). Cytogenetic location: 9q34.12.
Variant type: single nucleotide variant.
Coding change: c.3106G>C on transcript NM_006059.4 (MANE Select); coding-DNA position 3106, G replaced by C.
Protein change: p.Gly1036Arg; replaces glycine 1036 with arginine.
Molecular consequence: missense variant.
Genome position (GRCh38, 1-based): chr9:131,071,520, G>C. VCF-style: chr9-131071520-G-C. GRCh37 (hg19) VCF-style: chr9-133946907-G-C.
Other names: c.3106G>C (NM_006059.3); short protein forms G1036R.
Identifiers: ClinVar variation 1403867 (VCV001403867.5), dbSNP rs375429576, ClinGen allele CA5287682.

ClinVar aggregate classification (germline): Uncertain significance. Review status: criteria provided, multiple submitters, no conflicts (2 of 4 stars). 2 submissions from 2 submitters: Uncertain significance (2). Last evaluated 2025-05-21.

Conditions:
Inborn genetic diseases. Identifiers: MedGen C0950123, MeSH D030342.

Allele frequency attached by ClinVar (database versions not stated): gnomAD exomes below 0.00001 and 0.00001; ESP Exome Variant Server 0.00015; ExAC 0.00002.
gnomAD v4.1: 7 of 1,613,780 alleles (0.00043%); highest among the groups gnomAD compares: Admixed American, 0.005%; no homozygotes.

Submissions (2):

Ambry Genetics
Classification: Uncertain significance for Inborn genetic diseases. Last evaluated: 2025-05-21. Review status: criteria provided, single submitter. Criteria: Ambry Variant Classification Scheme 2023. Collection method: clinical testing. Allele origin: germline.

Labcorp Genetics (formerly Invitae), Labcorp
Classification: Uncertain significance. Last evaluated: 2022-08-23. Review status: criteria provided, single submitter. Criteria: Invitae Variant Classification Sherloc (09022015). Collection method: clinical testing. Allele origin: germline.
Comment: This sequence change replaces glycine, which is neutral and non-polar, with arginine, which is basic and polar, at codon 1036 of the LAMC3 protein (p.Gly1036Arg). This variant is present in population databases (rs375429576, gnomAD 0.02%). This variant has not been reported in the literature in individuals affected with LAMC3-related conditions. ClinVar contains an entry for this variant (Variation ID: 1403867). Algorithms developed to predict the effect of missense changes on protein structure and function output the following: SIFT: "Tolerated"; PolyPhen-2: "Benign"; Align-GVGD: "Class C0". The arginine amino acid residue is found in multiple mammalian species, which suggests that this missense change does not adversely affect protein function. In summary, the available evidence is currently insufficient to determine the role of this variant in disease. Therefore, it has been classified as a Variant of Uncertain Significance.